The following is an entry in ClinVar:

NM_030662.4(MAP2K2):c.664T>C (p.Ser222Pro)

Gene: MAP2K2 (mitogen-activated protein kinase kinase 2; minus strand). Cytogenetic location: 19p13.3.
Variant type: single nucleotide variant.
Coding change: c.664T>C on transcript NM_030662.4 (MANE Select); coding-DNA position 664, T replaced by C.
Protein change: p.Ser222Pro; replaces serine 222 with proline.
Molecular consequence: missense variant.
Genome position (GRCh38, 1-based): chr19:4,101,060, A>G on the plus strand (T>C on the coding strand, the complement: MAP2K2 is on the minus strand). VCF-style: chr19-4101060-A-G. GRCh37 (hg19) VCF-style: chr19-4101058-A-G.
Other names: short protein forms S222P.
Identifiers: ClinVar variation 3636797 (VCV003636797.2).

ClinVar aggregate classification (germline): Uncertain significance (1 of 4 stars; one submission).

Conditions:
RASopathy. Also called: Noonan spectrum disorder; rasopathies. Identifiers: Orphanet 536391, MedGen C5555857, MONDO:0021060.

gnomAD v4.1: 1 of 1,584,308 alleles (0.000063%); no homozygotes.

Submission:

Labcorp Genetics (formerly Invitae), Labcorp
Classification: Uncertain significance for RASopathy. Last evaluated: 2024-04-25. Review status: criteria provided, single submitter. Criteria: Invitae Variant Classification Sherloc (09022015). Collection method: clinical testing. Allele origin: germline.
Comment: This sequence change replaces serine, which is neutral and polar, with proline, which is neutral and non-polar, at codon 222 of the MAP2K2 protein (p.Ser222Pro). This variant is not present in population databases (gnomAD no frequency). This variant has not been reported in the literature in individuals affected with MAP2K2-related conditions. Advanced modeling of protein sequence and biophysical properties (such as structural, functional, and spatial information, amino acid conservation, physicochemical variation, residue mobility, and thermodynamic stability) has been performed at Invitae for this missense variant, however the output from this modeling did not meet the statistical confidence thresholds required to predict the impact of this variant on MAP2K2 protein function. In summary, the available evidence is currently insufficient to determine the role of this variant in disease. Therefore, it has been classified as a Variant of Uncertain Significance.